The following is an entry in ClinVar:

NM_006019.4(TCIRG1):c.-5+1G>T

Gene: TCIRG1 (T cell immune regulator 1, ATPase H+ transporting V0 subunit a3; plus strand). Cytogenetic location: 11q13.2.
Variant type: single nucleotide variant.
Coding change: c.-5+1G>T on transcript NM_006019.4 (MANE Select); the canonical splice donor site of the intron after 5 bases upstream of the start codon, G replaced by T.
Molecular consequence: splice donor variant.
Genome position (GRCh38, 1-based): chr11:68,039,120, G>T. VCF-style: chr11-68039120-G-T. GRCh37 (hg19) VCF-style: chr11-67806587-G-T.
Other names: c.-1254+1G>T (NM_001351059.2).
Identifiers: ClinVar variation 553850 (VCV000553850.5), dbSNP rs917505107, ClinGen allele CA658821814.

ClinVar aggregate classification (germline): Pathogenic/Likely pathogenic. Review status: criteria provided, multiple submitters, no conflicts (2 of 4 stars). 3 submissions from 3 submitters: Pathogenic (1); Likely pathogenic (1). 1 of the submissions does not count toward it. Last evaluated 2026-04-01.

Conditions:
TCIRG1-related disorder. Also called: TCIRG1-related condition.
Autosomal recessive osteopetrosis 1. Also called: TCIRG1-Related Osteopetrosis; ALBERS-SCHONBERG DISEASE, AUTOSOMAL RECESSIVE; TCIRG1-Related Autosomal Recessive Osteopetrosis. Identifiers: Orphanet 667, MedGen C1850127, MONDO:0009815, OMIM 259700.

Allele frequency attached by ClinVar (database versions not stated): gnomAD 0.00001.

Submissions (3):

PreventionGenetics, part of Exact Sciences
Classification: Likely pathogenic for TCIRG1-related condition. Last evaluated: 2026-04-01. Review status: criteria provided, single submitter. Criteria: ACMG Guidelines, 2015. Collection method: clinical testing. Allele origin: germline.
Comment: The TCIRG1 c.-5+1G>T variant is located in the 5' untranslated region. This variant has been reported along with a second TCIRG1 variant in individuals with osteopetrosis (Pangrazio et al. 2012. PubMed ID: 22231430; internal data, PreventionGenetics). This variant has not been reported in a large population database (gnomAD), indicating this variant is rare. Another variant affecting the same splice site, c.-5+1G>C, has been reported in individual(s) with osteopetrosis (Pangrazio et al. 2012. PubMed ID: 22231430). This variant is interpreted as likely pathogenic.

Baylor Genetics
Classification: Pathogenic for Autosomal recessive osteopetrosis 1. Last evaluated: 2024-02-13. Review status: criteria provided, single submitter. Criteria: ACMG Guidelines, 2015. Collection method: clinical testing. Allele origin: unknown.

Counsyl
Classification: Likely pathogenic for Autosomal recessive osteopetrosis 1. Last evaluated: 2017-09-14. Review status: no assertion criteria provided. Collection method: clinical testing. Allele origin: unknown. Not counted in ClinVar's aggregate classification.

Literature cited by the submitters: PubMed 22231430 (cited by Counsyl).